The following is an entry in ClinVar:

NM_020638.3(FGF23):c.565C>A (p.Pro189Thr)

Gene: FGF23 (fibroblast growth factor 23; minus strand). Cytogenetic location: 12p13.32.
Variant type: single nucleotide variant.
Coding change: c.565C>A on transcript NM_020638.3 (MANE Select); coding-DNA position 565, C replaced by A.
Protein change: p.Pro189Thr; replaces proline 189 with threonine.
Molecular consequence: missense variant.
Genome position (GRCh38, 1-based): chr12:4,370,534, G>T on the plus strand (C>A on the coding strand, the complement: FGF23 is on the minus strand). VCF-style: chr12-4370534-G-T. GRCh37 (hg19) VCF-style: chr12-4479700-G-T.
Other names: short protein forms P189T.
Identifiers: ClinVar variation 4085355 (VCV004085355.8).
Genomic context (GRCh38, chr12:4,370,534, plus strand): 5'-CCTGTGAACAGGAGGCCGGGGCCGGGGTCATCCGGGCCCGGGGCTTCAGCACGTTCAGGG[G>T]GTCCCGCTCCGAGTCGTCCTCGGCGCTCCGGGTGTGCCGCCGTGGTATGGGGGTGTTGAA-3'
Protein context (NP_065689.1, residues 179-199): RSAEDDSERD[Pro189Thr]LNVLKPRARM

ClinVar aggregate classification (germline): Uncertain significance (1 of 4 stars; one submission).

Submission:

CeGaT Center for Human Genetics Tuebingen
Classification: Uncertain significance. Last evaluated: 2025-07-01. Review status: criteria provided, single submitter. Criteria: CeGaT Center For Human Genetics Tuebingen Variant Classification Criteria Version 2. Collection method: clinical testing. Allele origin: germline. Affected: yes. Observed: 1 variant allele.
Comment: FGF23: PM2